The following is an entry in ClinVar:

ClinVar aggregate classification (germline): Uncertain significance (1 of 4 stars; one submission).

Conditions:
Glanzmann thrombasthenia. Also called: BLEEDING DISORDER, PLATELET-TYPE, 2; THROMBASTHENIA OF GLANZMANN AND NAEGELI; Thrombasthenia; PLATELET GLYCOPROTEIN IIb-IIIa DEFICIENCY; Glanzmann's thrombasthenia. Identifiers: Orphanet 849, MedGen C0040015, MONDO:0100326.

Allele frequency attached by ClinVar (database versions not stated): gnomAD exomes 0.00001.
gnomAD v4.1: 10 of 1,548,758 alleles (0.00065%); highest among the groups gnomAD compares: South Asian, 0.0059%; no homozygotes.

Submission:

Labcorp Genetics (formerly Invitae), Labcorp
Classification: Uncertain significance for Glanzmann thrombasthenia. Last evaluated: 2025-09-15. Review status: criteria provided, single submitter. Criteria: Invitae Variant Classification Sherloc (09022015). Collection method: clinical testing. Allele origin: germline.
Comment: This sequence change replaces leucine, which is neutral and non-polar, with valine, which is neutral and non-polar, at codon 923 of the ITGA2B protein (p.Leu923Val). This variant is present in population databases (no rsID available, gnomAD 0.009%). This variant has not been reported in the literature in individuals affected with ITGA2B-related conditions. ClinVar contains an entry for this variant (Variation ID: 2182972). Invitae Evidence Modeling of protein sequence and biophysical properties (such as structural, functional, and spatial information, amino acid conservation, physicochemical variation, residue mobility, and thermodynamic stability) has been performed for this missense variant. However, the output from this modeling did not meet the statistical confidence thresholds required to predict the impact of this variant on ITGA2B protein function. In summary, the available evidence is currently insufficient to determine the role of this variant in disease. Therefore, it has been classified as a Variant of Uncertain Significance.

NM_000419.5(ITGA2B):c.2767C>G (p.Leu923Val)

Gene: ITGA2B (integrin subunit alpha 2b; minus strand). Cytogenetic location: 17q21.31.
Variant type: single nucleotide variant.
Coding change: c.2767C>G on transcript NM_000419.5 (MANE Select); coding-DNA position 2767, C replaced by G.
Protein change: p.Leu923Val; replaces leucine 923 with valine.
Molecular consequence: missense variant.
Genome position (GRCh38, 1-based): chr17:44,375,072, G>C on the plus strand (C>G on the coding strand, the complement: ITGA2B is on the minus strand). VCF-style: chr17-44375072-G-C. GRCh37 (hg19) VCF-style: chr17-42452440-G-C.
Other names: short protein forms L923V.
Identifiers: ClinVar variation 2182972 (VCV002182972.4), dbSNP rs1285360146, ClinGen allele CA399792068.